The following is an entry in ClinVar:

ClinVar aggregate classification (germline): Uncertain significance (1 of 4 stars; one submission).

Submission:

Labcorp Genetics (formerly Invitae), Labcorp
Classification: Uncertain significance. Last evaluated: 2023-05-30. Review status: criteria provided, single submitter. Criteria: Invitae Variant Classification Sherloc (09022015). Collection method: clinical testing. Allele origin: germline.
Comment: In summary, the available evidence is currently insufficient to determine the role of this variant in disease. Therefore, it has been classified as a Variant of Uncertain Significance. Algorithms developed to predict the effect of missense changes on protein structure and function output the following: SIFT: "Not Available"; PolyPhen-2: "Benign"; Align-GVGD: "Not Available". The isoleucine amino acid residue is found in multiple mammalian species, which suggests that this missense change does not adversely affect protein function. This variant has not been reported in the literature in individuals affected with CACNA1D-related conditions. This variant is not present in population databases (gnomAD no frequency). This sequence change replaces valine, which is neutral and non-polar, with isoleucine, which is neutral and non-polar, at codon 2063 of the CACNA1D protein (p.Val2063Ile).

NM_001128840.3(CACNA1D):c.6127G>A (p.Val2043Ile)

Gene: CACNA1D (calcium voltage-gated channel subunit alpha1 D; plus strand). Cytogenetic location: 3p21.1.
Variant type: single nucleotide variant.
Coding change: c.6127G>A on transcript NM_001128840.3 (MANE Select); coding-DNA position 6127, G replaced by A.
Protein change: p.Val2043Ile; replaces valine 2043 with isoleucine.
Molecular consequence: missense variant.
Genome position (GRCh38, 1-based): chr3:53,810,233, G>A. VCF-style: chr3-53810233-G-A. GRCh37 (hg19) VCF-style: chr3-53844260-G-A.
Other names: c.6187G>A, p.Val2063Ile (NM_000720.4); c.6055G>A, p.Val2019Ile (NM_001128839.3); short protein forms V2019I, V2043I, V2063I.
Identifiers: ClinVar variation 2880421 (VCV002880421.3), dbSNP rs2106905787, ClinGen allele CA353258591.
Genomic context (GRCh38, chr3:53,810,233, plus strand): 5'-TCCTGGTACACAGACGAGCCCGACATCTCCTACCGGACTTTCACACCAGCCAGCCTGACT[G>A]TCCCCAGCAGCTTCCGGAACAAAAACAGCGACAAGCAGAGGAGTGCGGACAGCTTGGTGG-3'
Protein context (NP_001122312.1, residues 2033-2053): YRTFTPASLT[Val2043Ile]PSSFRNKNSD